The following is an entry in ClinVar:

ClinVar aggregate classification (germline): Conflicting classifications of pathogenicity. Review status: criteria provided, conflicting classifications (1 of 4 stars). 5 submissions from 5 submitters: Uncertain significance (3); Likely benign (2). Last evaluated 2026-08-19.

Conditions:
Hereditary cancer-predisposing syndrome. Also called: Neoplastic Syndromes, Hereditary; Tumor predisposition; Hereditary neoplastic syndrome; Hereditary Cancer Syndrome. Identifiers: Orphanet 140162, MedGen C0027672, MeSH D009386, MONDO:0015356.
Hereditary breast ovarian cancer syndrome. Also called: BRCA1- and BRCA2-Associated Hereditary Breast and Ovarian Cancer; Hereditary breast and ovarian cancer; Hereditary breast and ovarian cancer syndrome (HBOC); Breast and ovarian cancer; Hereditary breast and ovarian cancer syndrome; Hereditary breast and/or ovarian cancer syndrome. Identifiers: Orphanet 145, MedGen C0677776, MeSH D061325, MONDO:0003582. Disease mechanism: loss of function.
Breast-ovarian cancer, familial, susceptibility to, 2 (BROVCA2). Also called: BRCA2 Hereditary Breast and Ovarian Cancer. Identifiers: Orphanet 145, MedGen C2675520, MONDO:0012933, OMIM 612555. Disease mechanism: loss of function.

Allele frequency attached by ClinVar (database versions not stated): gnomAD 0.00001; TOPMed 0.00001; gnomAD exomes 0.00002.
gnomAD v4.1: 16 of 1,613,792 alleles (0.00099%); highest among the groups gnomAD compares: African/African-American, 0.0013%; no homozygotes.

Submissions (5):

Myriad Genetics, Inc.
Classification: Likely benign for Breast-ovarian cancer, familial, susceptibility to, 2. Last evaluated: 2026-08-19. Review status: criteria provided, single submitter. Criteria: Myriad Autosomal Dominant, Autosomal Recessive and X-Linked Classification Criteria (2023). Collection method: clinical testing. Allele origin: unknown.
Comment: This variant is considered likely benign. This variant is strongly associated with less severe personal and family histories of cancer, typical for individuals without pathogenic variants in this gene [PMID: 25085752].

Labcorp Genetics (formerly Invitae), Labcorp
Classification: Uncertain significance for Hereditary breast ovarian cancer syndrome. Last evaluated: 2025-11-26. Review status: criteria provided, single submitter. Criteria: Invitae Variant Classification Sherloc (09022015). Collection method: clinical testing. Allele origin: germline.
Comment: This sequence change replaces proline, which is neutral and non-polar, with arginine, which is basic and polar, at codon 1519 of the BRCA2 protein (p.Pro1519Arg). This variant is not present in population databases (gnomAD no frequency). This variant has not been reported in the literature in individuals affected with BRCA2-related conditions. ClinVar contains an entry for this variant (Variation ID: 141152). Invitae Evidence Modeling of protein sequence and biophysical properties (such as structural, functional, and spatial information, amino acid conservation, physicochemical variation, residue mobility, and thermodynamic stability) indicates that this missense variant is not expected to disrupt BRCA2 protein function with a negative predictive value of 95%. RNA analysis performed to evaluate the impact of this missense change on mRNA splicing indicates it does not significantly alter splicing (internal data). In summary, the available evidence is currently insufficient to determine the role of this variant in disease. Therefore, it has been classified as a Variant of Uncertain Significance.

Ambry Genetics
Classification: Uncertain significance for Hereditary cancer-predisposing syndrome. Last evaluated: 2025-04-09. Review status: criteria provided, single submitter. Criteria: Ambry Variant Classification Scheme 2023. Collection method: clinical testing. Allele origin: germline.
Comment: The p.P1519R variant (also known as c.4556C>G), located in coding exon 10 of the BRCA2 gene, results from a C to G substitution at nucleotide position 4556. The proline at codon 1519 is replaced by arginine, an amino acid with dissimilar properties. This amino acid position is not well conserved in available vertebrate species. In addition, the in silico prediction for this alteration is inconclusive. Based on the available evidence, the clinical significance of this variant remains unclear.

University of Washington Department of Laboratory Medicine, University of Washington
Classification: Likely benign for Hereditary cancer-predisposing syndrome. Last evaluated: 2023-03-23. Review status: criteria provided, single submitter. Criteria: Dines et al. (Genet Med. 2020). Collection method: curation. Allele origin: germline.
Comment: Missense variant in a coldspot region where missense variants are very unlikely to be pathogenic (PMID:31911673).

BRCA2 exon 11 coldspot. Reclassification based on statistical prior probability.

Quest Diagnostics Nichols Institute San Juan Capistrano
Classification: Uncertain significance. Last evaluated: 2021-03-30. Review status: criteria provided, single submitter. Criteria: Quest Diagnostics criteria. Collection method: clinical testing. Allele origin: unknown.

Literature cited by the submitters: PubMed 25085752 (cited by Myriad Genetics, Inc.).

NM_000059.4(BRCA2):c.4556C>G (p.Pro1519Arg)

Gene: BRCA2 (BRCA2 DNA repair associated; plus strand). Cytogenetic location: 13q13.1.
Variant type: single nucleotide variant.
Coding change: c.4556C>G on transcript NM_000059.4 (MANE Select); coding-DNA position 4556, C replaced by G.
Protein change: p.Pro1519Arg; replaces proline 1519 with arginine.
Molecular consequence: missense variant.
Genome position (GRCh38, 1-based): chr13:32,338,911, C>G. VCF-style: chr13-32338911-C-G. GRCh37 (hg19) VCF-style: chr13-32913048-C-G.
Other names: short protein forms P1519R.
Identifiers: ClinVar variation 141152 (VCV000141152.21), dbSNP rs587781534, ClinGen allele CA020427.